The following is an entry in ClinVar:

ClinVar aggregate classification (germline): Likely pathogenic. Review status: criteria provided, single submitter (1 of 4 stars). 2 submissions from 1 submitter: Likely pathogenic (2). Last evaluated 2018-02-27.

Conditions:
Telangiectasia, hereditary hemorrhagic, type 1 (HHT1). Also called: Osler Weber Rendu syndrome type 1; ENG-Related Hereditary Hemorrhagic Telangiectasia. Identifiers: Orphanet 774, MedGen C4551861, MONDO:0008535, OMIM 187300. Disease mechanism: loss of function.
Hereditary hemorrhagic telangiectasia (HHT). Also called: ORW DISEASE; Osler Weber Rendu syndrome; OSLER-RENDU-WEBER DISEASE; Osler hemorrhagic telangiectasia syndrome. Identifiers: Orphanet 774, MedGen C0039445, MONDO:0019180. Disease mechanism: loss of function.

Submissions (2):

Labcorp Genetics (formerly Invitae), Labcorp
Classification: Likely pathogenic for Osler hemorrhagic telangiectasia syndrome. Last evaluated: 2018-02-27. Review status: criteria provided, single submitter. Criteria: Invitae Variant Classification Sherloc (09022015). Collection method: clinical testing. Allele origin: germline.
Comment: This variant is an in-frame deletion of the genomic region encompassing exons 7-8 of the ENG gene. It preserves the integrity of the reading frame. This variant has not been reported in the literature in individuals with ENG-related disease. A missense substitution in exon 7 (p.Ala308Asp) has been determined to be pathogenic (PMID: 16752392, 16690726, 22991266, 22022569). This suggests that deletion of this residue is critical for ENG protein function and therefore may also be pathogenic. In summary, the currently available evidence indicates that the variant is pathogenic, but additional data are needed to prove that conclusively. Therefore, this variant has been classified as Likely Pathogenic.

Labcorp Genetics (formerly Invitae), Labcorp
Classification: Likely pathogenic for Hereditary hemorrhagic telangiectasia. Last evaluated: 2018-02-16. Review status: criteria provided, single submitter. Criteria: Invitae Variant Classification Sherloc (09022015). Collection method: clinical testing. Allele origin: germline.
Comment: In summary, the currently available evidence indicates that the variant is pathogenic, but additional data are needed to prove that conclusively. Therefore, this variant has been classified as Likely Pathogenic. A missense substitution in exon 7 (p.Ala308Asp) has been determined to be pathogenic (PMID: 16752392, 16690726, 22991266, 22022569). This suggests that deletion of this residue is critical for ENG protein function and therefore may also be pathogenic. This variant has not been reported in the literature in individuals with ENG-related disease. This variant is an in-frame deletion of the genomic region encompassing exons 7-8 of the ENG gene. It preserves the integrity of the reading frame.

Literature cited by the submitters: PubMed 16690726; PubMed 22022569; PubMed 22991266; PubMed 16752392.

NC_000009.12:g.(?_127824284)_(127824994_?)del

Gene: ENG (endoglin; minus strand). Cytogenetic location: 9q34.11.
Variant type: Deletion.
Identifiers: ClinVar variation 583974 (VCV000583974.11).